The following is an entry in ClinVar:

NM_001378778.1(MPDZ):c.4900A>G (p.Lys1634Glu)

Gene: MPDZ (multiple PDZ domain crumbs cell polarity complex component; minus strand). Cytogenetic location: 9p23.
Variant type: single nucleotide variant.
Coding change: c.4900A>G on transcript NM_001378778.1 (MANE Select); coding-DNA position 4900, A replaced by G.
Protein change: p.Lys1634Glu; replaces lysine 1634 with glutamic acid.
Molecular consequence: missense variant.
Genome position (GRCh38, 1-based): chr9:13,123,206, T>C on the plus strand (A>G on the coding strand, the complement: MPDZ is on the minus strand). VCF-style: chr9-13123206-T-C. GRCh37 (hg19) VCF-style: chr9-13123205-T-C.
Other names: c.4801A>G, p.Lys1601Glu (NM_001261406.2, NM_001261407.2, NM_001375416.1 and 3 more transcripts); c.4900A>G, p.Lys1634Glu (NM_001330637.2, NM_003829.5); c.4999A>G, p.Lys1667Glu (NM_001375413.1); c.4690A>G, p.Lys1564Glu (NM_001375420.1, NM_001375421.1, NM_001375422.1 and 4 more transcripts); c.4492A>G, p.Lys1498Glu (NM_001375427.1); short protein forms K1601E, K1634E, K1667E, K1564E, K1498E.
Identifiers: ClinVar variation 1518850 (VCV001518850.7), dbSNP rs780202118, ClinGen allele CA4986533.

ClinVar aggregate classification (germline): Uncertain significance (1 of 4 stars; one submission).

Allele frequency attached by ClinVar (database versions not stated): gnomAD 0.00001; gnomAD exomes 0.00001 and 0.00003; ExAC 0.00002; TOPMed 0.00002.
gnomAD v4.1: 12 of 1,613,272 alleles (0.00074%); highest among the groups gnomAD compares: Admixed American, 0.015%; no homozygotes.

Submission:

Labcorp Genetics (formerly Invitae), Labcorp
Classification: Uncertain significance. Last evaluated: 2022-07-25. Review status: criteria provided, single submitter. Criteria: Invitae Variant Classification Sherloc (09022015). Collection method: clinical testing. Allele origin: germline.
Comment: In summary, the available evidence is currently insufficient to determine the role of this variant in disease. Therefore, it has been classified as a Variant of Uncertain Significance. Algorithms developed to predict the effect of missense changes on protein structure and function (SIFT, PolyPhen-2, Align-GVGD) all suggest that this variant is likely to be disruptive. ClinVar contains an entry for this variant (Variation ID: 1518850). This variant has not been reported in the literature in individuals affected with MPDZ-related conditions. This variant is present in population databases (rs780202118, gnomAD 0.02%). This sequence change replaces lysine, which is basic and polar, with glutamic acid, which is acidic and polar, at codon 1634 of the MPDZ protein (p.Lys1634Glu).